The following is an entry in ClinVar:

ClinVar aggregate classification (germline): Likely benign (0 of 4 stars; one submission).

Conditions:
ITPR3-related disorder. Also called: ITPR3-related condition.

Allele frequency attached by ClinVar (database versions not stated): gnomAD 0.00006; TOPMed 0.00007; ExAC 0.00013; ESP Exome Variant Server 0.00015.
gnomAD v4.1: 89 of 1,614,124 alleles (0.0055%); highest among the groups gnomAD compares: East Asian, 0.071%; no homozygotes.

Submission:

PreventionGenetics, part of Exact Sciences
Classification: Likely benign for ITPR3-related condition. Last evaluated: 2019-08-27. Review status: no assertion criteria provided. Collection method: clinical testing. Allele origin: germline.
Comment: This variant is classified as likely benign based on ACMG/AMP sequence variant interpretation guidelines (Richards et al. 2015 PMID: 25741868, with internal and published modifications).

NM_002224.4(ITPR3):c.5913C>T (p.Thr1971=)

Gene: ITPR3 (inositol 1,4,5-trisphosphate receptor type 3; plus strand). Cytogenetic location: 6p21.31.
Variant type: single nucleotide variant.
Coding change: c.5913C>T on transcript NM_002224.4 (MANE Select); coding-DNA position 5913, C replaced by T.
Protein change: p.Thr1971=; no amino-acid change (threonine 1971 retained).
Molecular consequence: synonymous variant.
Genome position (GRCh38, 1-based): chr6:33,686,453, C>T. VCF-style: chr6-33686453-C-T. GRCh37 (hg19) VCF-style: chr6-33654230-C-T.
Identifiers: ClinVar variation 3052996 (VCV003052996.2), dbSNP rs376357642, ClinGen allele CA3761707.